The following is an entry in ClinVar:

ClinVar aggregate classification (germline): Likely benign. Review status: criteria provided, multiple submitters, no conflicts (2 of 4 stars). 2 submissions from 2 submitters: Likely benign (2). Last evaluated 2017-12-21.

Conditions:
Hereditary cancer-predisposing syndrome. Also called: Hereditary neoplastic syndrome; Tumor predisposition; Neoplastic Syndromes, Hereditary; Hereditary Cancer Syndrome. Identifiers: Orphanet 140162, MedGen C0027672, MeSH D009386, MONDO:0015356.

Submissions (2):

Color Diagnostics, LLC DBA Color Health
Classification: Likely benign for Hereditary cancer-predisposing syndrome. Last evaluated: 2017-12-21. Review status: criteria provided, single submitter. Criteria: ACMG Guidelines, 2015. Collection method: clinical testing. Allele origin: germline.

GeneDx
Classification: Likely benign. Last evaluated: 2016-01-20. Review status: criteria provided, single submitter. Criteria: GeneDx Variant Classification (06012015). Collection method: clinical testing. Allele origin: germline. Affected: yes.
Comment: This variant is considered likely benign or benign based on one or more of the following criteria: it is a conservative change, it occurs at a poorly conserved position in the protein, it is predicted to be benign by multiple in silico algorithms, and/or has population frequency not consistent with disease.

NM_000059.4(BRCA2):c.9649-19_9649-18delinsA

Gene: BRCA2 (BRCA2 DNA repair associated; plus strand). Cytogenetic location: 13q13.1.
Variant type: Indel.
Coding change: c.9649-19_9649-18delinsA on transcript NM_000059.4 (MANE Select); 19 bases into the intron before coding-DNA position 9649 through 18 bases into the intron before coding-DNA position 9649, GT replaced by A.
Molecular consequence: intron variant.
Genome position (GRCh38, 1-based): chr13:32,398,143-32,398,144, GT replaced by A. VCF-style: chr13-32398143-GT-A. GRCh37 (hg19) VCF-style: chr13-32972280-GT-A.
Other names: c.9649-19_9649-18delGTinsA (NM_000059.3).
Identifiers: ClinVar variation 420401 (VCV000420401.3), dbSNP rs1064794456, ClinGen allele CA16619795.